The following is an entry in ClinVar:

NM_177438.3(DICER1):c.3391A>G (p.Asn1131Asp)

Gene: DICER1 (dicer 1, ribonuclease III; minus strand). Cytogenetic location: 14q32.13.
Variant type: single nucleotide variant.
Coding change: c.3391A>G on transcript NM_177438.3 (MANE Select); coding-DNA position 3391, A replaced by G.
Protein change: p.Asn1131Asp; replaces asparagine 1131 with aspartic acid.
Molecular consequence: missense variant. On other transcripts: non-coding transcript variant (6).
Genome position (GRCh38, 1-based): chr14:95,104,005, T>C on the plus strand (A>G on the coding strand, the complement: DICER1 is on the minus strand). VCF-style: chr14-95104005-T-C. GRCh37 (hg19) VCF-style: chr14-95570342-T-C.
Other names: c.3391A>G, p.Asn1131Asp (NM_001195573.1, NM_001271282.3, NM_001291628.2 and 13 more transcripts); c.3109A>G, p.Asn1037Asp (NM_001395686.1); c.2986A>G, p.Asn996Asp (NM_001395687.1, NM_001395688.1, NM_001395689.1 and 2 more transcripts); c.2824A>G, p.Asn942Asp (NM_001395691.1); c.1708A>G, p.Asn570Asp (NM_001395697.1); short protein forms N1131D, N996D, N1037D, N570D, N942D.
Identifiers: ClinVar variation 1730913 (VCV001730913.2), dbSNP rs2542717396, ClinGen allele CA390875634.

ClinVar aggregate classification (germline): Uncertain significance (1 of 4 stars; one submission).

Conditions:
Hereditary cancer-predisposing syndrome. Also called: Neoplastic Syndromes, Hereditary; Tumor predisposition; Hereditary Cancer Syndrome; Hereditary neoplastic syndrome. Identifiers: Orphanet 140162, MedGen C0027672, MeSH D009386, MONDO:0015356.

Submission:

Ambry Genetics
Classification: Uncertain significance for Hereditary cancer-predisposing syndrome. Last evaluated: 2021-09-17. Review status: criteria provided, single submitter. Criteria: Ambry Variant Classification Scheme 2023. Collection method: clinical testing. Allele origin: germline.
Comment: The p.N1131D variant (also known as c.3391A>G), located in coding exon 20 of the DICER1 gene, results from an A to G substitution at nucleotide position 3391. The asparagine at codon 1131 is replaced by aspartic acid, an amino acid with highly similar properties. This amino acid position is not well conserved in available vertebrate species. In addition, this alteration is predicted to be tolerated by in silico analysis. Since supporting evidence is limited at this time, the clinical significance of this alteration remains unclear.